The following is an entry in ClinVar:

NM_000548.5(TSC2):c.2351A>G (p.Lys784Arg)

Gene: TSC2 (TSC complex subunit 2; plus strand). Cytogenetic location: 16p13.3.
Variant type: single nucleotide variant.
Coding change: c.2351A>G on transcript NM_000548.5 (MANE Select); coding-DNA position 2351, A replaced by G.
Protein change: p.Lys784Arg; replaces lysine 784 with arginine.
Molecular consequence: missense variant.
Genome position (GRCh38, 1-based): chr16:2,072,979, A>G. VCF-style: chr16-2072979-A-G. GRCh37 (hg19) VCF-style: chr16-2122980-A-G.
Other names: c.2351A>G, p.Lys784Arg (NM_001077183.3, NM_001114382.3, NM_001363528.2 and 3 more transcripts); c.2240A>G, p.Lys747Arg (NM_001318827.2); c.2204A>G, p.Lys735Arg (NM_001318829.2); c.1751A>G, p.Lys584Arg (NM_001318831.2); c.2384A>G, p.Lys795Arg (NM_001318832.2); short protein forms K784R, K795R, K735R, K584R, K747R.
Identifiers: ClinVar variation 849308 (VCV000849308.12), dbSNP rs1489548085, ClinGen allele CA394276707.

ClinVar aggregate classification (germline): Conflicting classifications of pathogenicity. Review status: criteria provided, conflicting classifications (1 of 4 stars). 4 submissions from 4 submitters: Uncertain significance (1); Benign (1); Likely benign (2). Last evaluated 2025-11-25.

Conditions:
Tuberous sclerosis syndrome (TSC). Also called: Tuberous Sclerosis Complex; Tuberous sclerosis. Identifiers: Orphanet 805, MedGen C0041341, MONDO:0001734.
Tuberous sclerosis 2 (TSC2). Identifiers: Orphanet 805, MedGen C1860707, MONDO:0013199, OMIM 613254.
Hereditary cancer-predisposing syndrome. Also called: Neoplastic Syndromes, Hereditary; Hereditary Cancer Syndrome; Hereditary neoplastic syndrome; Tumor predisposition. Identifiers: Orphanet 140162, MedGen C0027672, MeSH D009386, MONDO:0015356.

Allele frequency attached by ClinVar (database versions not stated): gnomAD exomes 0.00001.
gnomAD v4.1: 2 of 1,613,480 alleles (0.00012%); highest among the groups gnomAD compares: Admixed American, 0.0033%; no homozygotes.

Submissions (4):

Labcorp Genetics (formerly Invitae), Labcorp
Classification: Benign for Tuberous sclerosis 2. Last evaluated: 2025-11-25. Review status: criteria provided, single submitter. Criteria: Invitae Variant Classification Sherloc (09022015). Collection method: clinical testing. Allele origin: germline.

Quest Diagnostics Nichols Institute San Juan Capistrano
Classification: Uncertain significance. Last evaluated: 2025-07-16. Review status: criteria provided, single submitter. Criteria: Quest Diagnostics criteria. Collection method: clinical testing. Allele origin: unknown.

All of Us Research Program, National Institutes of Health
Classification: Likely benign for Tuberous sclerosis syndrome. Last evaluated: 2023-10-02. Review status: criteria provided, single submitter. Criteria: ACMG Guidelines, 2015. Collection method: clinical testing. Allele origin: germline. Inheritance: Autosomal dominant inheritance. Observed: 2 variant alleles, 2 heterozygotes.
Comment: This study involves interpretation of variants in research participants for the purpose of population health screening. Participant phenotype was not available at the time of variant classification. Additional details can be found in publication PMID: 35346344, PMCID: PMC8962531

Ambry Genetics
Classification: Likely benign for Hereditary cancer-predisposing syndrome. Last evaluated: 2020-07-15. Review status: criteria provided, single submitter. Criteria: Ambry Variant Classification Scheme 2023. Collection method: clinical testing. Allele origin: germline.